The following is an entry in ClinVar:

ClinVar aggregate classification (germline): Likely benign (1 of 4 stars; one submission).

Allele frequency attached by ClinVar (database versions not stated): TOPMed 0.00006; ExAC 0.00007; ESP Exome Variant Server 0.00008; gnomAD 0.00008; 1000 Genomes Project 0.00020; gnomAD exomes 0.00022; 1000 Genomes Project 30x 0.00031.
gnomAD v4.1: 337 of 1,614,204 alleles (0.021%); highest among the groups gnomAD compares: Non-Finnish European, 0.027%; no homozygotes.

Submission:

CeGaT Center for Human Genetics Tuebingen
Classification: Likely benign. Last evaluated: 2022-03-01. Review status: criteria provided, single submitter. Criteria: CeGaT Center For Human Genetics Tuebingen Variant Classification Criteria Version 2. Collection method: clinical testing. Allele origin: germline. Affected: yes. Observed: 1 variant allele.
Comment: TMEM63A: BP4, BP7

NM_014698.3(TMEM63A):c.90C>G (p.Ser30=)

Gene: TMEM63A (transmembrane protein 63A; minus strand). Cytogenetic location: 1q42.12.
Variant type: single nucleotide variant.
Coding change: c.90C>G on transcript NM_014698.3 (MANE Select); coding-DNA position 90, C replaced by G.
Protein change: p.Ser30=; no amino-acid change (serine 30 retained).
Molecular consequence: synonymous variant.
Genome position (GRCh38, 1-based): chr1:225,877,491, G>C on the plus strand (C>G on the coding strand, the complement: TMEM63A is on the minus strand). VCF-style: chr1-225877491-G-C. GRCh37 (hg19) VCF-style: chr1-226065191-G-C.
Identifiers: ClinVar variation 2639967 (VCV002639967.24), dbSNP rs72754986, ClinGen allele CA1419696.